The following is an entry in ClinVar:

ClinVar aggregate classification (germline): Conflicting classifications of pathogenicity. Review status: criteria provided, conflicting classifications (1 of 4 stars). 16 submissions from 16 submitters: Uncertain significance (10); Likely benign (1). 5 of the submissions do not count toward it. Last evaluated 2025-08-18.

Conditions:
Neuronopathy, distal hereditary motor, autosomal recessive. Also called: Autosomal recessive distal hereditary motor neuropathy. Identifiers: Orphanet 140468, MedGen C5548369, MONDO:0015363.
Pontocerebellar hypoplasia type 1A (PCH1A). Also called: PONTOCEREBELLAR HYPOPLASIA WITH ANTERIOR HORN CELL DISEASE; PONTOCEREBELLAR HYPOPLASIA WITH INFANTILE SPINAL MUSCULAR ATROPHY. Identifiers: Orphanet 2254, Orphanet 88616, MedGen C1843504, MONDO:0011866, OMIM 607596.
Amyotrophic lateral sclerosis (ALS). Also called: Charcot disease; Lou Gehrig disease. Identifiers: Orphanet 803, MedGen C0002736, MONDO:0004976, HP:0007354.
Spinal muscular atrophy (SMA). Identifiers: MedGen C0026847, MeSH D009134, MONDO:0001516, HP:0007269.
Congenital pontocerebellar hypoplasia type 1. Also called: Pontocerebellar hypoplasia type 1. Identifiers: Orphanet 2254, MedGen C5442006, MONDO:0016396.
VRK1-related disorder. Also called: VRK1-related condition.
Inborn genetic diseases. Identifiers: MedGen C0950123, MeSH D030342.
Distal spinal muscular atrophy. Also called: Distal hereditary motor neuropathy; Distal hereditary motor neuronopathy. Identifiers: Orphanet 53739, MedGen C0393541, MONDO:0018894.

Allele frequency attached by ClinVar (database versions not stated): gnomAD 0.00051 and 0.00056; TOPMed 0.00056; ESP Exome Variant Server 0.00062; ExAC 0.00070; 1000 Genomes Project 30x 0.00078; 1000 Genomes Project 0.00080; gnomAD exomes 0.00080 and 0.00102.
gnomAD v4.1: 1,558 of 1,613,638 alleles (0.097%); highest among the groups gnomAD compares: South Asian, 0.17%; no homozygotes.

Submissions (16):

Myriad Genetics, Inc.
Classification: Uncertain significance for Pontocerebellar hypoplasia type 1A. Last evaluated: 2025-08-18. Review status: criteria provided, single submitter. Criteria: Myriad Autosomal Dominant, Autosomal Recessive and X-Linked Classification Criteria (2023). Collection method: clinical testing. Allele origin: unknown.
Comment: NM_003384.2(VRK1):c.858G>T(M286I) is a missense variant classified as a variant of uncertain significance in the context of pontocerebellar hypoplasia, VRK1-related. M286I has been observed in a case with relevant disease (PMID: 35641352). Relevant functional assessments of this variant are not available in the literature. M286I has been observed in referenced population frequency databases. In summary, there is insufficient evidence to classify NM_003384.2(VRK1):c.858G>T(M286I) as pathogenic or benign. Please note: this variant was assessed in the context of healthy population screening.

Mayo Clinic Laboratories, Mayo Clinic
Classification: Uncertain significance. Last evaluated: 2024-09-25. Review status: criteria provided, single submitter. Criteria: ACMG Guidelines, 2015. Collection method: clinical testing. Allele origin: germline. Observed: 3 variant alleles.
Comment: BP4, PM1, PM2_moderate

CeGaT Center for Human Genetics Tuebingen
Classification: Uncertain significance. Last evaluated: 2024-03-01. Review status: criteria provided, single submitter. Criteria: CeGaT Center For Human Genetics Tuebingen Variant Classification Criteria Version 2. Collection method: clinical testing. Allele origin: germline. Affected: yes. Observed: 1 variant allele.

Women's Health and Genetics/Laboratory Corporation of America, LabCorp
Classification: Uncertain significance. Last evaluated: 2023-12-13. Review status: criteria provided, single submitter. Criteria: LabCorp Variant Classification Summary - May 2015. Collection method: clinical testing. Allele origin: germline.
Comment: Variant summary: VRK1 c.858G>T (p.Met286Ile) results in a conservative amino acid change located in the Protein kinase domain (IPR000719) of the encoded protein sequence. Three of five in-silico tools predict a benign effect of the variant on protein function. The variant allele was found at a frequency of 0.0008 in 250858 control chromosomes, predominantly at a frequency of 0.0016 within the South Asian subpopulation in the gnomAD database. The observed variant frequency within South Asian control individuals in the gnomAD database is approximately 1.43 fold of the estimated maximal expected allele frequency for a pathogenic variant in VRK1 causing Pontocerebellar Hypoplasia, Type 1A phenotype (0.0011), suggesting that the variant is a benign polymorphism found primarily in populations of South Asian origin. c.858G>T has been reported in the literature in the compound heterozygous state in two siblings affected with distal spinal muscle atrophy (Demaegd_2022). These data indicate that the variant may be associated with disease. To our knowledge, no experimental evidence demonstrating an impact on protein function has been reported. Eight submitters have cited clinical-significance assessments for this variant to ClinVar after 2014. Multiple submitters reported the variant with conflicting assessments; six submitters classified the variant as uncertain significance, one classified it as likely pathogenic, and one classified it as likely benign. Based on the evidence outlined above, the variant was classified as VUS-possibly benign.

Labcorp Genetics (formerly Invitae), Labcorp
Classification: Uncertain significance for Pontocerebellar hypoplasia type 1A. Last evaluated: 2022-10-24. Review status: criteria provided, single submitter. Criteria: Invitae Variant Classification Sherloc (09022015). Collection method: clinical testing. Allele origin: germline.
Comment: This sequence change replaces methionine, which is neutral and non-polar, with isoleucine, which is neutral and non-polar, at codon 286 of the VRK1 protein (p.Met286Ile). This variant is present in population databases (rs139476915, gnomAD 0.2%), and has an allele count higher than expected for a pathogenic variant. This variant has not been reported in the literature in individuals affected with VRK1-related conditions. ClinVar contains an entry for this variant (Variation ID: 130730). Algorithms developed to predict the effect of missense changes on protein structure and function (SIFT, PolyPhen-2, Align-GVGD) all suggest that this variant is likely to be tolerated. In summary, the available evidence is currently insufficient to determine the role of this variant in disease. Therefore, it has been classified as a Variant of Uncertain Significance.

Ambry Genetics
Classification: Uncertain significance for Inborn genetic diseases. Last evaluated: 2022-01-19. Review status: criteria provided, single submitter. Criteria: Ambry Variant Classification Scheme 2023. Collection method: clinical testing. Allele origin: germline.
Comment: The p.M286I variant (also known as c.858G>T), located in coding exon 9 of the VRK1 gene, results from a G to T substitution at nucleotide position 858. The methionine at codon 286 is replaced by isoleucine, an amino acid with highly similar properties. This amino acid position is well conserved in available vertebrate species. In addition, this alteration is predicted to be tolerated by in silico analysis. Since supporting evidence is limited at this time, the clinical significance of this alteration remains unclear.

GeneDx
Classification: Likely benign. Last evaluated: 2021-09-27. Review status: criteria provided, single submitter. Criteria: GeneDx Variant Classification Process June 2021. Collection method: clinical testing. Allele origin: germline. Affected: yes.

Baylor Genetics
Classification: Uncertain significance for Pontocerebellar hypoplasia type 1A. Last evaluated: 2018-01-13. Review status: criteria provided, single submitter. Criteria: ACMG Guidelines, 2015. Collection method: clinical testing. Allele origin: maternal. Affected: yes.
Comment: This variant was determined to be of uncertain significance according to ACMG Guidelines, 2015 [PMID:25741868].

Illumina Laboratory Services, Illumina
Classification: Uncertain significance for Pontocerebellar hypoplasia type 1A. Last evaluated: 2018-01-13. Review status: criteria provided, single submitter. Criteria: ICSL Variant Classification Criteria 13 December 2019. Collection method: clinical testing. Allele origin: germline.

Center for Pediatric Genomic Medicine, Children's Mercy Hospital and Clinics
Classification: Uncertain significance. Last evaluated: 2017-05-02. Review status: criteria provided, single submitter. Criteria: ACMG Guidelines, 2015. Collection method: clinical testing. Allele origin: germline.

Genetic Services Laboratory, University of Chicago
Classification: Uncertain significance. Last evaluated: 2013-04-05. Review status: criteria provided, single submitter. Criteria: ACMG Guidelines, 2007. Collection method: clinical testing. Allele origin: germline. Inheritance: Autosomal recessive inheritance.

PreventionGenetics, part of Exact Sciences
Classification: Likely benign for VRK1-related condition. Last evaluated: 2022-08-29. Review status: no assertion criteria provided. Collection method: clinical testing. Allele origin: germline. Not counted in ClinVar's aggregate classification.
Comment: This variant is classified as likely benign based on ACMG/AMP sequence variant interpretation guidelines (Richards et al. 2015 PMID: 25741868, with internal and published modifications).

Genome Diagnostics Laboratory, University Medical Center Utrecht
Classification: Likely pathogenic for Distal spinal muscular atrophy. Last evaluated: 2020-10-01. Review status: no assertion criteria provided. Collection method: clinical testing. Allele origin: germline. Affected: no. Observed: 2 variant alleles. Not counted in ClinVar's aggregate classification.

Natera, Inc.
Classification: Uncertain significance for Pontocerebellar hypoplasia type 1. Last evaluated: 2020-04-18. Review status: no assertion criteria provided. Collection method: clinical testing. Allele origin: germline. Not counted in ClinVar's aggregate classification.

Clinical Genetics DNA and cytogenetics Diagnostics Lab, Erasmus MC, Erasmus Medical Center
Classification: Uncertain significance. Review status: no assertion criteria provided. Collection method: clinical testing. Allele origin: germline. Affected: yes. Study: VKGL Data-share Consensus. Not counted in ClinVar's aggregate classification.

Clinical Genetics, Academic Medical Center
Classification: Uncertain significance. Review status: no assertion criteria provided. Collection method: clinical testing. Allele origin: germline. Affected: yes. Study: VKGL Data-share Consensus. Not counted in ClinVar's aggregate classification.

Literature cited by the submitters: PubMed 35641352 (cited by 3 submitters); PubMed 31837156 (cited by Mayo Clinic Laboratories, Mayo Clinic); PubMed 37257665 (cited by Mayo Clinic Laboratories, Mayo Clinic).

NM_003384.3(VRK1):c.858G>T (p.Met286Ile)

Gene: VRK1 (VRK serine/threonine kinase 1; plus strand). Cytogenetic location: 14q32.2.
Variant type: single nucleotide variant.
Coding change: c.858G>T on transcript NM_003384.3 (MANE Select); coding-DNA position 858, G replaced by T.
Protein change: p.Met286Ile; replaces methionine 286 with isoleucine.
Molecular consequence: missense variant.
Genome position (GRCh38, 1-based): chr14:96,856,555, G>T. VCF-style: chr14-96856555-G-T. GRCh37 (hg19) VCF-style: chr14-97322892-G-T.
Other names: p.Met286Ile; short protein forms M286I.
Identifiers: ClinVar variation 130730 (VCV000130730.50), dbSNP rs139476915, ClinGen allele CA231650.